The following is an entry in ClinVar:

NM_002691.4(POLD1):c.613G>T (p.Gly205Cys)

Gene: POLD1 (DNA polymerase delta 1, catalytic subunit; plus strand). Cytogenetic location: 19q13.33.
Variant type: single nucleotide variant.
Coding change: c.613G>T on transcript NM_002691.4 (MANE Select); coding-DNA position 613, G replaced by T.
Protein change: p.Gly205Cys; replaces glycine 205 with cysteine.
Molecular consequence: missense variant. On other transcripts: non-coding transcript variant (1).
Genome position (GRCh38, 1-based): chr19:50,402,228, G>T. VCF-style: chr19-50402228-G-T. GRCh37 (hg19) VCF-style: chr19-50905485-G-T.
Other names: c.613G>T, p.Gly205Cys (NM_001256849.1, NM_001308632.1); short protein forms G205C.
Identifiers: ClinVar variation 3781354 (VCV003781354.1).

ClinVar aggregate classification (germline): Uncertain significance (1 of 4 stars; one submission).

Conditions:
Hereditary cancer-predisposing syndrome. Also called: Neoplastic Syndromes, Hereditary; Hereditary Cancer Syndrome; Tumor predisposition; Hereditary neoplastic syndrome. Identifiers: Orphanet 140162, MedGen C0027672, MeSH D009386, MONDO:0015356.

gnomAD v4.1: 2 of 1,587,894 alleles (0.00013%); highest among the groups gnomAD compares: East Asian, 0.0045%; no homozygotes.

Submission:

Ambry Genetics
Classification: Uncertain significance for Hereditary cancer-predisposing syndrome. Last evaluated: 2024-12-27. Review status: criteria provided, single submitter. Criteria: Ambry Variant Classification Scheme 2023. Collection method: clinical testing. Allele origin: germline.
Comment: The p.G205C variant (also known as c.613G>T), located in coding exon 5 of the POLD1 gene, results from a G to T substitution at nucleotide position 613. The glycine at codon 205 is replaced by cysteine, an amino acid with highly dissimilar properties. This amino acid position is conserved. In addition, this alteration is predicted to be tolerated by in silico analysis. Based on the available evidence, the clinical significance of this variant remains unclear.